The following is an entry in ClinVar:

ClinVar aggregate classification (germline): Likely pathogenic (1 of 4 stars; one submission).

Conditions:
EYA1-related disorder. Also called: EYA1-related condition.

Submission:

PreventionGenetics, part of Exact Sciences
Classification: Likely pathogenic for EYA1-related condition. Last evaluated: 2025-11-22. Review status: criteria provided, single submitter. Criteria: ACMG Guidelines, 2015. Collection method: clinical testing. Allele origin: germline.
Comment: The EYA1 c.1504_1511dup8 variant is predicted to result in a frameshift and premature protein termination (p.Ile506Leufs*15). To our knowledge, this variant has not been reported in the literature or in a large population database (gnomAD), indicating this variant is rare. Frameshift variants in EYA1 are expected to be pathogenic. This variant is interpreted as likely pathogenic.

NM_000503.6(EYA1):c.1504_1511dup (p.Ile506fs)

Gene: EYA1 (EYA transcriptional coactivator and phosphatase 1; minus strand). Cytogenetic location: 8q13.3.
Variant type: Duplication.
Coding change: c.1504_1511dup on transcript NM_000503.6 (MANE Select); coding-DNA positions 1504 to 1511, 8 bases duplicated (ACTACTCA; older notation c.1504_1511dupACTACTCA).
Protein change: p.Ile506fs; shifts the reading frame from isoleucine 506.
Molecular consequence: frameshift variant.
Genome position (GRCh38, 1-based): chr8:71,215,473-71,215,480, TGAGTAGT duplicated on the plus strand (ACTACTCA on the coding strand, the reverse complement: EYA1 is on the minus strand); duplicating any 8 consecutive bases within chr8:71,215,473-71,215,482 gives the same sequence; the c. name uses the placement nearest the transcript's 3' end. VCF-style (leftmost placement, unchanged base first): chr8-71215472-C-CTGAGTAGT. GRCh37 (hg19) VCF-style: chr8-72127707-C-CTGAGTAGT.
Other names: c.1486_1493dup, p.Ile500fs (NM_001288574.2, NM_172059.5); c.1138_1145dup, p.Ile384fs (NM_001288575.2); c.1591_1598dup, p.Ile535fs (NM_001370333.1); c.1504_1511dup, p.Ile506fs (NM_001370334.1, NM_001370335.1, NM_172058.4); c.1483_1490dup, p.Ile499fs (NM_001370336.1); c.1405_1412dup, p.Ile473fs (NM_001411797.1, NM_172060.4); short protein forms I500fs, I506fs, I473fs, I535fs, I384fs, I499fs.
Identifiers: ClinVar variation 4992878 (VCV004992878.1).